The following is an entry in ClinVar:

ClinVar aggregate classification (germline): Uncertain significance (1 of 4 stars; one submission).

gnomAD v4.1: 1 of 1,612,558 alleles (0.000062%); highest among the groups gnomAD compares: Non-Finnish European, 0.000085%; no homozygotes.

Submission:

GeneDx
Classification: Uncertain significance. Last evaluated: 2024-10-14. Review status: criteria provided, single submitter. Criteria: GeneDx Variant Classification Process June 2021. Collection method: clinical testing. Allele origin: germline. Affected: yes.
Comment: Not observed at significant frequency in large population cohorts (gnomAD); In silico analysis indicates that this missense variant does not alter protein structure/function; Has not been previously published as pathogenic or benign to our knowledge

NM_138694.4(PKHD1):c.8712G>C (p.Glu2904Asp)

Gene: PKHD1 (PKHD1 ciliary IPT domain containing fibrocystin/polyductin; minus strand). Cytogenetic location: 6p12.3.
Variant type: single nucleotide variant.
Coding change: c.8712G>C on transcript NM_138694.4 (MANE Select); coding-DNA position 8712, G replaced by C.
Protein change: p.Glu2904Asp; replaces glutamic acid 2904 with aspartic acid.
Molecular consequence: missense variant.
Genome position (GRCh38, 1-based): chr6:51,754,869, C>G on the plus strand (G>C on the coding strand, the complement: PKHD1 is on the minus strand). VCF-style: chr6-51754869-C-G. GRCh37 (hg19) VCF-style: chr6-51619667-C-G.
Other names: c.8712G>C, p.Glu2904Asp (NM_170724.3); short protein forms E2904D.
Identifiers: ClinVar variation 3777617 (VCV003777617.1).